The following is an entry in ClinVar:

NM_001267550.2(TTN):c.66105A>T (p.Lys22035Asn)

Genes: TTN (titin; minus strand), TTN-AS1 (TTN antisense RNA 1; plus strand). Cytogenetic location: 2q31.2.
Variant type: single nucleotide variant.
Coding change: c.66105A>T on transcript NM_001267550.2 (MANE Select); coding-DNA position 66105, A replaced by T.
Protein change: p.Lys22035Asn; replaces lysine 22035 with asparagine.
Molecular consequence: missense variant.
Genome position (GRCh38, 1-based): chr2:178,582,351, T>A on the plus strand (A>T on the coding strand, the complement: TTN is on the minus strand). VCF-style: chr2-178582351-T-A. GRCh37 (hg19) VCF-style: chr2-179447078-T-A.
Other names: c.61182A>T, p.Lys20394Asn (NM_001256850.1); c.38910A>T, p.Lys12970Asn (NM_003319.4); c.58401A>T, p.Lys19467Asn (NM_133378.4); c.39285A>T, p.Lys13095Asn (NM_133432.3); c.39486A>T, p.Lys13162Asn (NM_133437.4); short protein forms K19467N, K22035N, K12970N, K20394N, K13162N, K13095N.
Identifiers: ClinVar variation 497099 (VCV000497099.10), dbSNP rs373681189, ClinGen allele CA1991578.

ClinVar aggregate classification (germline): Conflicting classifications of pathogenicity. Review status: criteria provided, conflicting classifications (1 of 4 stars). 5 submissions from 5 submitters: Uncertain significance (3); Likely benign (2). Last evaluated 2026-09-16.

Conditions:
TTN-related disorder. Also called: TTN-related condition; TTN-related disease; TTN-related disorders.
Dilated cardiomyopathy 1G (CMD1G). Identifiers: Orphanet 154, MedGen C1858763, MONDO:0011400, OMIM 604145.
Autosomal recessive limb-girdle muscular dystrophy type 2J (LGMDR10). Also called: Limb-girdle muscular dystrophy, type 2J; MUSCULAR DYSTROPHY, LIMB-GIRDLE, AUTOSOMAL RECESSIVE 10. Identifiers: Orphanet 140922, MedGen C1837342, MONDO:0012127, OMIM 608807.
Cardiomyopathy (CMYO). Also called: Cardiomyopathies. Identifiers: Orphanet 167848, MedGen C0878544, MONDO:0004994, HP:0001638. Inheritance: Various modes of inheritance.

Allele frequency attached by ClinVar (database versions not stated): ExAC 0.00001; gnomAD exomes 0.00002 and 0.00004; TOPMed 0.00003; gnomAD 0.00005 and 0.00006; ESP Exome Variant Server 0.00008.
gnomAD v4.1: 73 of 1,609,656 alleles (0.0045%); highest among the groups gnomAD compares: African/African-American, 0.0054%; no homozygotes.

Submissions (5):

PreventionGenetics, part of Exact Sciences
Classification: Uncertain significance for TTN-related condition. Last evaluated: 2026-09-16. Review status: criteria provided, single submitter. Criteria: ACMG Guidelines, 2015. Collection method: clinical testing. Allele origin: germline.
Comment: The TTN c.66105A>T variant is predicted to result in the amino acid substitution p.Lys22035Asn. To our knowledge, this variant has not been reported in the literature. This variant is reported in 0.0083% of alleles in individuals of African descent in gnomAD. At this time, the clinical significance of this variant is uncertain due to the absence of conclusive functional and genetic evidence.

CHEO Genetics Diagnostic Laboratory, Children's Hospital of Eastern Ontario
Classification: Likely benign for Cardiomyopathy. Last evaluated: 2022-09-30. Review status: criteria provided, single submitter. Criteria: ACMG Guidelines, 2015. Collection method: clinical testing. Allele origin: germline.

Blueprint Genetics
Classification: Likely benign. Last evaluated: 2021-06-29. Review status: criteria provided, single submitter. Criteria: ACMG Guidelines, 2015. Collection method: clinical testing. Allele origin: germline.

Labcorp Genetics (formerly Invitae), Labcorp
Classification: Uncertain significance for Dilated cardiomyopathy 1G; Autosomal recessive limb-girdle muscular dystrophy type 2J. Last evaluated: 2017-09-06. Review status: criteria provided, single submitter. Criteria: Invitae Variant Classification Sherloc (09022015). Collection method: clinical testing. Allele origin: germline.

Eurofins Ntd Llc (ga)
Classification: Uncertain significance. Last evaluated: 2017-05-04. Review status: criteria provided, single submitter. Criteria: EGL Classification Definitions 2015. Collection method: clinical testing. Allele origin: germline. Observed: 2 variant alleles, 2 heterozygotes.